The following is an entry in ClinVar:

NM_001256007.3(PNPLA8):c.1091G>T (p.Arg364Leu)

Gene: PNPLA8 (patatin like domain 8, phospholipase A2; minus strand). Cytogenetic location: 7q31.1.
Variant type: single nucleotide variant.
Coding change: c.1091G>T on transcript NM_001256007.3 (MANE Select); coding-DNA position 1091, G replaced by T.
Protein change: p.Arg364Leu; replaces arginine 364 with leucine.
Molecular consequence: missense variant.
Genome position (GRCh38, 1-based): chr7:108,514,259, C>A on the plus strand (G>T on the coding strand, the complement: PNPLA8 is on the minus strand). VCF-style: chr7-108514259-C-A. GRCh37 (hg19) VCF-style: chr7-108154703-C-A.
Other names: c.1091G>T, p.Arg364Leu (NM_001256008.3, NM_001256009.3, NM_015723.5); c.791G>T, p.Arg264Leu (NM_001256010.3, NM_001256011.3); c.1091G>T (NM_015723.2); short protein forms R364L, R264L.
Identifiers: ClinVar variation 1378848 (VCV001378848.7), dbSNP rs759468647, ClinGen allele CA4439673.

ClinVar aggregate classification (germline): Uncertain significance. Review status: criteria provided, multiple submitters, no conflicts (2 of 4 stars). 2 submissions from 2 submitters: Uncertain significance (2). Last evaluated 2024-10-22.

Conditions:
Inborn genetic diseases. Identifiers: MedGen C0950123, MeSH D030342.

Allele frequency attached by ClinVar (database versions not stated): ExAC 0.00002; gnomAD exomes 0.00002.
gnomAD v4.1: 22 of 1,612,074 alleles (0.0014%); highest among the groups gnomAD compares: Non-Finnish European, 0.0019%; no homozygotes.

Submissions (2):

Labcorp Genetics (formerly Invitae), Labcorp
Classification: Uncertain significance. Last evaluated: 2024-10-22. Review status: criteria provided, single submitter. Criteria: Invitae Variant Classification Sherloc (09022015). Collection method: clinical testing. Allele origin: germline.
Comment: This sequence change replaces arginine, which is basic and polar, with leucine, which is neutral and non-polar, at codon 364 of the PNPLA8 protein (p.Arg364Leu). This variant is present in population databases (rs759468647, gnomAD 0.003%). This variant has not been reported in the literature in individuals affected with PNPLA8-related conditions. ClinVar contains an entry for this variant (Variation ID: 1378848). An algorithm developed to predict the effect of missense changes on protein structure and function (PolyPhen-2) suggests that this variant is likely to be disruptive. In summary, the available evidence is currently insufficient to determine the role of this variant in disease. Therefore, it has been classified as a Variant of Uncertain Significance.

Ambry Genetics
Classification: Uncertain significance for Inborn genetic diseases. Last evaluated: 2024-02-12. Review status: criteria provided, single submitter. Criteria: Ambry Variant Classification Scheme 2023. Collection method: clinical testing. Allele origin: germline.